The following is an entry in ClinVar:

ClinVar aggregate classification (germline): Likely benign (1 of 4 stars; one submission).

Conditions:
TSC2-related disorder. Also called: TSC2-Related Disorders; TSC2-related condition.

gnomAD v4.1: 95 of 1,276,868 alleles (0.0074%); highest among the groups gnomAD compares: Non-Finnish European, 0.0094%; no homozygotes.

Submission:

PreventionGenetics, part of Exact Sciences
Classification: Likely benign for TSC2-related condition. Last evaluated: 2026-02-26. Review status: criteria provided, single submitter. Criteria: ACMG Guidelines, 2015. Collection method: clinical testing. Allele origin: germline.
Comment: This variant is classified as likely benign based on ACMG/AMP sequence variant interpretation guidelines (Richards et al. 2015 PMID: 25741868, with internal and published modifications).

NM_000548.5(TSC2):c.1119+119G>A

Gene: TSC2 (TSC complex subunit 2; plus strand). Cytogenetic location: 16p13.3.
Variant type: single nucleotide variant.
Coding change: c.1119+119G>A on transcript NM_000548.5 (MANE Select); 119 bases into the intron after coding-DNA position 1119, G replaced by A.
Molecular consequence: intron variant.
Genome position (GRCh38, 1-based): chr16:2,060,932, G>A. VCF-style: chr16-2060932-G-A. GRCh37 (hg19) VCF-style: chr16-2110933-G-A.
Other names: c.-312-21G>A (NM_001406693.1, NM_001406689.1, NM_001406690.1 and 4 more transcripts); c.1209+119G>A (NM_001406667.1, NM_001406668.1); c.519+119G>A (NM_001406680.1, NM_001406683.1, NM_001406687.1 and 6 more transcripts); c.-488-21G>A (NM_001406698.1); c.1119+119G>A (NM_001114382.3, NM_001406663.1, NM_001406664.1 and 6 more transcripts); c.-194+119G>A (NM_001406694.1, NM_001406695.1); c.1107+119G>A (NM_001406671.1, NM_001406673.1); c.657+119G>A (NM_001406681.1); and 4 more.
Identifiers: ClinVar variation 4986578 (VCV004986578.1).